The following is an entry in ClinVar:

NM_004104.5(FASN):c.1968C>T (p.Ala656=)

Gene: FASN (fatty acid synthase; minus strand). Cytogenetic location: 17q25.3.
Variant type: single nucleotide variant.
Coding change: c.1968C>T on transcript NM_004104.5 (MANE Select); coding-DNA position 1968, C replaced by T.
Protein change: p.Ala656=; no amino-acid change (alanine 656 retained).
Molecular consequence: synonymous variant.
Genome position (GRCh38, 1-based): chr17:82,089,382, G>A on the plus strand (C>T on the coding strand, the complement: FASN is on the minus strand). VCF-style: chr17-82089382-G-A. GRCh37 (hg19) VCF-style: chr17-80047258-G-A.
Identifiers: ClinVar variation 462013 (VCV000462013.15), dbSNP rs45540245, ClinGen allele CA8852951.
Genomic context (GRCh38, chr17:82,089,382, plus strand): 5'-CCGCACCTCCTTGGCAAACACACCCTCCTTCCTCAGCTGCTCCACGAACTCAAACACCGG[G>A]GCCTGGACATCGTGGGAGCCTGGATAAGCATCCTGGCTGGGCACCCACCTCAGGCTCGGA-3'
Protein context (NP_004095.4, residues 646-666): KDTVTISGPQ[Ala656=]PVFEFVEQLR

ClinVar aggregate classification (germline): Benign. Review status: criteria provided, multiple submitters, no conflicts (2 of 4 stars). 3 submissions from 3 submitters: Benign (2). 1 of the submissions does not count toward it. Last evaluated 2026-01-28.

Conditions:
FASN-related disorder. Also called: FASN-related condition.
Epileptic encephalopathy. Identifiers: MedGen C0543888, HP:0200134.

Allele frequency attached by ClinVar (database versions not stated): gnomAD exomes 0.00150 and 0.00407; ExAC 0.00491; gnomAD 0.01677 and 0.01801; 1000 Genomes Project 0.01837; TOPMed 0.01855; ESP Exome Variant Server 0.01892; 1000 Genomes Project 30x 0.02030.
gnomAD v4.1: 4,821 of 1,612,736 alleles (0.3%); highest among the groups gnomAD compares: African/African-American, 5.7%; 140 homozygotes.

Submissions (3):

Labcorp Genetics (formerly Invitae), Labcorp
Classification: Benign for Epileptic encephalopathy. Last evaluated: 2026-01-28. Review status: criteria provided, single submitter. Criteria: Invitae Variant Classification Sherloc (09022015). Collection method: clinical testing. Allele origin: germline.

Breakthrough Genomics
Classification: Benign. Review status: criteria provided, single submitter. Criteria: ACMG Guidelines, 2015. Collection method: not provided. Allele origin: germline. Inheritance: Unknown mechanism. Affected: yes.

PreventionGenetics, part of Exact Sciences
Classification: Benign for FASN-related condition. Last evaluated: 2019-04-17. Review status: no assertion criteria provided. Collection method: clinical testing. Allele origin: germline. Not counted in ClinVar's aggregate classification.
Comment: This variant is classified as benign based on ACMG/AMP sequence variant interpretation guidelines (Richards et al. 2015 PMID: 25741868, with internal and published modifications).